The following is an entry in ClinVar:

NM_024675.4(PALB2):c.620C>G (p.Pro207Arg)

Gene: PALB2 (partner and localizer of BRCA2; minus strand). Cytogenetic location: 16p12.2.
Variant type: single nucleotide variant.
Coding change: c.620C>G on transcript NM_024675.4 (MANE Select); coding-DNA position 620, C replaced by G.
Protein change: p.Pro207Arg; replaces proline 207 with arginine.
Molecular consequence: missense variant.
Genome position (GRCh38, 1-based): chr16:23,635,926, G>C on the plus strand (C>G on the coding strand, the complement: PALB2 is on the minus strand). VCF-style: chr16-23635926-G-C. GRCh37 (hg19) VCF-style: chr16-23647247-G-C.
Other names: short protein forms P207R.
Identifiers: ClinVar variation 126760 (VCV000126760.25), dbSNP rs515726125, ClinGen allele CA331799.

ClinVar aggregate classification (germline): Conflicting classifications of pathogenicity. Review status: criteria provided, conflicting classifications (1 of 4 stars). 8 submissions from 8 submitters: Uncertain significance (5); Likely benign (2). 1 of the submissions does not count toward it. Last evaluated 2025-09-25.

Conditions:
PALB2-related cancer predisposition. Identifiers: MedGen CN377761, MONDO:0700272.
Hereditary cancer-predisposing syndrome. Also called: Hereditary Cancer Syndrome; Hereditary neoplastic syndrome; Tumor predisposition; Neoplastic Syndromes, Hereditary. Identifiers: Orphanet 140162, MedGen C0027672, MeSH D009386, MONDO:0015356.
Familial cancer of breast. Also called: BREAST CANCER, FAMILIAL; hereditary breast carcinoma; Hereditary breast cancer. Identifiers: Orphanet 227535, MedGen C0346153, MONDO:0016419, OMIM 114480. Disease mechanism: loss of function.

Allele frequency attached by ClinVar (database versions not stated): gnomAD exomes below 0.00001 and 0.00001.
gnomAD v4.1: 4 of 1,614,100 alleles (0.00025%); highest among the groups gnomAD compares: Admixed American, 0.0067%; no homozygotes.

Submissions (8):

Labcorp Genetics (formerly Invitae), Labcorp
Classification: Uncertain significance for Familial cancer of breast. Last evaluated: 2025-09-25. Review status: criteria provided, single submitter. Criteria: Invitae Variant Classification Sherloc (09022015). Collection method: clinical testing. Allele origin: germline.
Comment: This sequence change replaces proline, which is neutral and non-polar, with arginine, which is basic and polar, at codon 207 of the PALB2 protein (p.Pro207Arg). This variant is present in population databases (no rsID available, gnomAD 0.003%). This missense change has been observed in individual(s) with breast cancer (PMID: 22052327). ClinVar contains an entry for this variant (Variation ID: 126760). An algorithm developed to predict the effect of missense changes on protein structure and function (PolyPhen-2) suggests that this variant is likely to be disruptive. Experimental studies have shown that this missense change does not substantially affect PALB2 function (PMID: 31586400). In summary, the available evidence is currently insufficient to determine the role of this variant in disease. Therefore, it has been classified as a Variant of Uncertain Significance.

Myriad Genetics, Inc.
Classification: Likely benign for Familial cancer of breast. Last evaluated: 2025-02-18. Review status: criteria provided, single submitter. Criteria: Myriad Autosomal Dominant, Autosomal Recessive and X-Linked Classification Criteria (2023). Collection method: clinical testing. Allele origin: unknown.
Comment: This variant is considered likely benign. This variant is strongly associated with less severe personal and family histories of cancer, typical for individuals without pathogenic variants in this gene [PMID: 25085752].

Ambry Genetics
Classification: Likely benign for Hereditary cancer-predisposing syndrome. Last evaluated: 2024-10-17. Review status: criteria provided, single submitter. Criteria: Ambry Variant Classification Scheme 2023. Collection method: clinical testing. Allele origin: germline.

Institute for Genomic Medicine (IGM) Clinical Laboratory, Nationwide Children's Hospital
Classification: Uncertain significance for PALB2-related cancer predisposition. Last evaluated: 2024-08-13. Review status: criteria provided, single submitter. Criteria: ACMG Guidelines, 2015. Collection method: clinical testing. Allele origin: germline.
Comment: This variant has been reported at an elevated frequency in affected individuals/in multiple affected individuals in the literature (ACMG/AMP: PS4_Supporting; PMID:22052327). This variant is absent from or present at an exceedingly low frequency in gnomAD, a large-scale control population database (ACMG/AMP: PM2). This variant results in a missense alteration in a gene for which primarily truncating variants are known to cause disease (ACMG/AMP: BP1). This variant is predicted to be tolerated by multiple in silico tools (ACMG/AMP: BP4).

Quest Diagnostics Nichols Institute San Juan Capistrano
Classification: Uncertain significance. Last evaluated: 2022-10-18. Review status: criteria provided, single submitter. Criteria: Quest Diagnostics criteria. Collection method: clinical testing. Allele origin: unknown.
Comment: The frequency of this variant in the general population, 0.000004 (1/251410 chromosomes), is uninformative in assessment of its pathogenicity. In the published literature, the variant has been reported in an individual with personal and/or family history of breast and/or ovarian cancer, including male breast cancer (PMID: 22052327 (2012)). An experimental study reports this variant does not significantly affect PALB2 protein function, however further studies are needed to determine an overall impact (PMID: 31586400 (2019)). Analysis of this variant using bioinformatics tools for the prediction of the effect of amino acid changes on protein structure and function yielded conflicting predictions that this variant is benign or damaging. Based on the available information, we are unable to determine the clinical significance of this variant.

Color Diagnostics, LLC DBA Color Health
Classification: Uncertain significance for Hereditary cancer-predisposing syndrome. Last evaluated: 2022-01-25. Review status: criteria provided, single submitter. Criteria: ACMG Guidelines, 2015. Collection method: clinical testing. Allele origin: germline.
Comment: This missense variant replaces proline with arginine at codon 207 of the PALB2 protein. Computational prediction suggests that this variant may not impact protein structure and function (internally defined REVEL score threshold <= 0.5, PMID: 27666373). To our knowledge, functional studies have not been reported for this variant. This variant has been reported in a family affected with breast and/or ovarian cancer (PMID: 22052327) and in an unaffected control individual in a breast cancer case-control study (PMID: 33471991). This variant has been identified in 1/251410 chromosomes in the general population by the Genome Aggregation Database (gnomAD). The available evidence is insufficient to determine the role of this variant in disease conclusively. Therefore, this variant is classified as a Variant of Uncertain Significance.

GeneDx
Classification: Uncertain significance. Last evaluated: 2021-03-02. Review status: criteria provided, single submitter. Criteria: GeneDx Variant Classification Process June 2021. Collection method: clinical testing. Allele origin: germline. Affected: yes.
Comment: Not observed at a significant frequency in large population cohorts (Lek et al., 2016); In silico analysis supports that this missense variant has a deleterious effect on protein structure/function; Published functional studies demonstrate BRCA2 interaction and PARP inhibitor response to be comparable to wild type (Rodrigue 2019); Observed in an individual with a personal or family history of breast cancer (Blanco 2012); This variant is associated with the following publications: (PMID: 31586400, 22052327, 33195396)

Leiden Open Variation Database
Classification: Uncertain significance for Familial cancer of breast. Last evaluated: 2019-05-13. Review status: no assertion criteria provided. Collection method: curation. Allele origin: germline. Affected: yes. Not counted in ClinVar's aggregate classification.
Comment: Curators: Marc Tischkowitz, Arleen D. Auerbach. Submitter to LOVD: Marc Tischkowitz.

Literature cited by the submitters: PubMed 22052327 (cited by 6 submitters); PubMed 31586400 (cited by 3 submitters); PubMed 25085752 (cited by Myriad Genetics, Inc.); PubMed 33471991 (cited by Ambry Genetics and Color Diagnostics, LLC DBA Color Health).